The following is an entry in ClinVar:

ClinVar aggregate classification (germline): Benign/Likely benign. Review status: criteria provided, multiple submitters, no conflicts (2 of 4 stars). 3 submissions from 3 submitters: Benign (1); Likely benign (1). 1 of the submissions does not count toward it. Last evaluated 2024-05-07.

Conditions:
TGFBI-related disorder. Also called: TGFBI-related condition.
Corneal dystrophy. Identifiers: Orphanet 34533, MedGen C0010036, MONDO:0018102, HP:0001131.

Allele frequency attached by ClinVar (database versions not stated): gnomAD exomes 0.00014 and 0.00023; ExAC 0.00035; gnomAD 0.00097 and 0.00104; TOPMed 0.00116; 1000 Genomes Project 0.00120; 1000 Genomes Project 30x 0.00125; ESP Exome Variant Server 0.00131.
gnomAD v4.1: 350 of 1,610,714 alleles (0.022%); highest among the groups gnomAD compares: African/African-American, 0.34%; no homozygotes.

Submissions (3):

Labcorp Genetics (formerly Invitae), Labcorp
Classification: Benign. Last evaluated: 2024-05-07. Review status: criteria provided, single submitter. Criteria: Invitae Variant Classification Sherloc (09022015). Collection method: clinical testing. Allele origin: germline.

Illumina Laboratory Services, Illumina
Classification: Likely benign for Corneal dystrophy. Last evaluated: 2018-01-13. Review status: criteria provided, single submitter. Criteria: ICSL Variant Classification Criteria 13 December 2019. Collection method: clinical testing. Allele origin: germline.
Comment: This variant was observed in the ICSL laboratory as part of a predisposition screen in an ostensibly healthy population. It had not been previously curated by ICSL or reported in the Human Gene Mutation Database (HGMD: prior to June 1st, 2018), and was therefore a candidate for classification through an automated scoring system. Utilizing variant allele frequency, disease prevalence and penetrance estimates, and inheritance mode, an automated score was calculated to assess if this variant is too frequent to cause the disease. Based on the score and internal cut-off values, a variant classified as likely benign is not then subjected to further curation. The score for this variant resulted in a classification of likely benign for this disease.

PreventionGenetics, part of Exact Sciences
Classification: Likely benign for TGFBI-related condition. Last evaluated: 2019-08-21. Review status: no assertion criteria provided. Collection method: clinical testing. Allele origin: germline. Not counted in ClinVar's aggregate classification.
Comment: This variant is classified as likely benign based on ACMG/AMP sequence variant interpretation guidelines (Richards et al. 2015 PMID: 25741868, with internal and published modifications).

NM_000358.3(TGFBI):c.1749C>T (p.Ile583=)

Gene: TGFBI (transforming growth factor beta induced; plus strand). Cytogenetic location: 5q31.1.
Variant type: single nucleotide variant.
Coding change: c.1749C>T on transcript NM_000358.3 (MANE Select); coding-DNA position 1749, C replaced by T.
Protein change: p.Ile583=; no amino-acid change (isoleucine 583 retained).
Molecular consequence: synonymous variant.
Genome position (GRCh38, 1-based): chr5:136,059,160, C>T. VCF-style: chr5-136059160-C-T. GRCh37 (hg19) VCF-style: chr5-135394849-C-T.
Identifiers: ClinVar variation 350893 (VCV000350893.10), dbSNP rs35909506, ClinGen allele CA3420508.
Genomic context (GRCh38, chr5:136,059,160, plus strand): 5'-GGAACTTGCCAACATCCTGAAATACCACATTGGTGATGAAATCCTGGTTAGCGGAGGCAT[C>T]GGGGCCCTGGTGCGGCTAAAGTCTCTCCAAGGTGACAAGCTGGAAGTCAGCTTGGTAAGT-3'
Protein context (NP_000349.1, residues 573-593): IGDEILVSGG[Ile583=]GALVRLKSLQ